The following is an entry in ClinVar:

NM_000540.3(RYR1):c.13606G>A (p.Glu4536Lys)

Gene: RYR1 (ryanodine receptor 1; plus strand). Cytogenetic location: 19q13.2.
Variant type: single nucleotide variant.
Coding change: c.13606G>A on transcript NM_000540.3 (MANE Select); coding-DNA position 13606, G replaced by A.
Protein change: p.Glu4536Lys; replaces glutamic acid 4536 with lysine.
Molecular consequence: missense variant.
Genome position (GRCh38, 1-based): chr19:38,567,864, G>A. VCF-style: chr19-38567864-G-A. GRCh37 (hg19) VCF-style: chr19-39058504-G-A.
Other names: c.13591G>A, p.Glu4531Lys (NM_001042723.2); short protein forms E4531K, E4536K.
Identifiers: ClinVar variation 3385603 (VCV003385603.1).

ClinVar aggregate classification (germline): Uncertain significance (1 of 4 stars; one submission).

Conditions:
Malignant hyperthermia, susceptibility to, 1 (MHS1). Also called: Anesthesia related hyperthermia; Malignant hyperpyrexia; Fulminating hyperpyrexia; Pharmacogenic myopathy; Malignant hyperthermia suceptibility 1; RYR1-Related Malignant Hyperthermia Susceptibility. Identifiers: Orphanet 423, MedGen C2930980, MONDO:0007783, OMIM 145600.

Submission:

All of Us Research Program, National Institutes of Health
Classification: Uncertain significance for Malignant hyperthermia, susceptibility to, 1. Last evaluated: 2024-02-22. Review status: criteria provided, single submitter. Criteria: ACMG Guidelines, 2015. Collection method: clinical testing. Allele origin: germline. Inheritance: Autosomal dominant inheritance. Observed: 1 variant allele, 1 heterozygote.
Comment: This missense variant replaces glutamic acid with lysine at codon 4536 of the RYR1 protein. Computational prediction suggests that this variant may not impact protein structure and function (internally defined REVEL score threshold <= 0.5, PMID: 27666373). To our knowledge, functional studies have not been reported for this variant. This variant has not been reported in individuals affected with RYR1-related disorders in the literature. This variant has not been identified in the general population by the Genome Aggregation Database (gnomAD). The available evidence is insufficient to determine the role of this variant in disease conclusively. Therefore, this variant is classified as a Variant of Uncertain Significance.

This study involves interpretation of variants in research participants for the purpose of population health screening. Participant phenotype was not available at the time of variant classification. Additional details can be found in publication PMID: 35346344, PMCID: PMC8962531